The following is an entry in ClinVar:

ClinVar aggregate classification (germline): Uncertain significance. Review status: criteria provided, multiple submitters, no conflicts (2 of 4 stars). 2 submissions from 2 submitters: Uncertain significance (2). Last evaluated 2025-10-21.

Conditions:
Focal segmental glomerulosclerosis 6 (FSGS6). Identifiers: Orphanet 656, MedGen C3279905, MONDO:0013589, OMIM 614131.

Allele frequency attached by ClinVar (database versions not stated): gnomAD 0.00002 and 0.00003; ExAC 0.00003; gnomAD exomes 0.00003; TOPMed 0.00003; ESP Exome Variant Server 0.00008.

Submissions (2):

Labcorp Genetics (formerly Invitae), Labcorp
Classification: Uncertain significance. Last evaluated: 2025-10-21. Review status: criteria provided, single submitter. Criteria: Invitae Variant Classification Sherloc (09022015). Collection method: clinical testing. Allele origin: germline.
Comment: This sequence change replaces lysine, which is basic and polar, with isoleucine, which is neutral and non-polar, at codon 800 of the MYO1E protein (p.Lys800Ile). This variant is present in population databases (rs376817753, gnomAD 0.007%). This variant has not been reported in the literature in individuals affected with MYO1E-related conditions. ClinVar contains an entry for this variant (Variation ID: 1433723). Invitae Evidence Modeling of protein sequence and biophysical properties (such as structural, functional, and spatial information, amino acid conservation, physicochemical variation, residue mobility, and thermodynamic stability) indicates that this missense variant is expected to disrupt MYO1E protein function with a positive predictive value of 80%. In summary, the available evidence is currently insufficient to determine the role of this variant in disease. Therefore, it has been classified as a Variant of Uncertain Significance.

Fulgent Genetics
Classification: Uncertain significance for Focal segmental glomerulosclerosis 6. Last evaluated: 2024-01-05. Review status: criteria provided, single submitter. Criteria: ACMG Guidelines, 2015. Collection method: clinical testing. Allele origin: germline.

NM_004998.4(MYO1E):c.2399A>T (p.Lys800Ile)

Gene: MYO1E (myosin IE; minus strand). Cytogenetic location: 15q22.2.
Variant type: single nucleotide variant.
Coding change: c.2399A>T on transcript NM_004998.4 (MANE Select); coding-DNA position 2399, A replaced by T.
Protein change: p.Lys800Ile; replaces lysine 800 with isoleucine.
Molecular consequence: missense variant.
Genome position (GRCh38, 1-based): chr15:59,171,978, T>A on the plus strand (A>T on the coding strand, the complement: MYO1E is on the minus strand). VCF-style: chr15-59171978-T-A. GRCh37 (hg19) VCF-style: chr15-59464177-T-A.
Other names: short protein forms K800I.
Identifiers: ClinVar variation 1433723 (VCV001433723.10), dbSNP rs376817753, ClinGen allele CA7589264.